The following is an entry in ClinVar:

NM_003055.3(SLC18A3):c.392A>G (p.Lys131Arg)

Genes: CHAT (choline O-acetyltransferase; plus strand), SLC18A3 (solute carrier family 18 member A3; plus strand). Cytogenetic location: 10q11.23.
Variant type: single nucleotide variant.
Coding change: c.392A>G on transcript NM_003055.3 (MANE Select); coding-DNA position 392, A replaced by G.
Protein change: p.Lys131Arg; replaces lysine 131 with arginine.
Molecular consequence: missense variant. On other transcripts: intron variant (1).
Genome position (GRCh38, 1-based): chr10:49,611,132, A>G. VCF-style: chr10-49611132-A-G. GRCh37 (hg19) VCF-style: chr10-50819178-A-G.
Other names: c.-69+1933A>G (NM_020984.4); short protein forms K131R.
Identifiers: ClinVar variation 1481751 (VCV001481751.8), dbSNP rs892469870, ClinGen allele CA206620974.
Genomic context (GRCh38, chr10:49,611,132, plus strand): 5'-TTCGGCCCCGCTACCCTACGGAGAGCGAAGACGTGAAGATCGGGGTGCTGTTTGCTTCCA[A>G]GGCTATCCTGCAGCTGCTAGTGAACCCCTTGAGCGGGCCCTTCATCGACCGCATGAGCTA-3'
Protein context (NP_003046.2, residues 121-141): DVKIGVLFAS[Lys131Arg]AILQLLVNPL

ClinVar aggregate classification (germline): Uncertain significance (1 of 4 stars; one submission).

Allele frequency attached by ClinVar (database versions not stated): gnomAD exomes 0.00001; gnomAD 0.00001.
gnomAD v4.1: 17 of 1,613,964 alleles (0.0011%); highest among the groups gnomAD compares: Non-Finnish European, 0.0014%; no homozygotes.

Submission:

Labcorp Genetics (formerly Invitae), Labcorp
Classification: Uncertain significance. Last evaluated: 2022-03-08. Review status: criteria provided, single submitter. Criteria: Invitae Variant Classification Sherloc (09022015). Collection method: clinical testing. Allele origin: germline.
Comment: In summary, the available evidence is currently insufficient to determine the role of this variant in disease. Therefore, it has been classified as a Variant of Uncertain Significance. Algorithms developed to predict the effect of missense changes on protein structure and function (SIFT, PolyPhen-2, Align-GVGD) all suggest that this variant is likely to be disruptive. This variant has not been reported in the literature in individuals affected with SLC18A3-related conditions. This variant is present in population databases (no rsID available, gnomAD 0.002%). This sequence change replaces lysine, which is basic and polar, with arginine, which is basic and polar, at codon 131 of the SLC18A3 protein (p.Lys131Arg).